The following is an entry in ClinVar:

ClinVar aggregate classification (germline): Conflicting classifications of pathogenicity. Review status: criteria provided, conflicting classifications (1 of 4 stars). 14 submissions from 13 submitters: Uncertain significance (2); Benign (2); Likely benign (9). 1 of the submissions does not count toward it. Last evaluated 2026-01-29.

Conditions:
CFTR-related disorder (CFTR-RD). Also called: CFTR-related disorders; CFTR-related condition. Identifiers: MedGen C5924204, MONDO:7770004.
Congenital bilateral aplasia of vas deferens from CFTR mutation (CBAVD). Identifiers: Orphanet 48, MedGen C0403814, MONDO:0010178, OMIM 277180. Disease mechanism: loss of function.
Cystic fibrosis (CF). Also called: MUCOVISCIDOSIS. Identifiers: Orphanet 586, MedGen C0010674, MONDO:0009061, OMIM 219700. Disease mechanism: loss of function.

Allele frequency attached by ClinVar (database versions not stated): gnomAD exomes 0.00002 and 0.00005; ExAC 0.00003; ESP Exome Variant Server 0.00008; 1000 Genomes Project 30x 0.00016; 1000 Genomes Project 0.00020; gnomAD 0.00035 and 0.00036; TOPMed 0.00111.
gnomAD v4.1: 103 of 1,613,558 alleles (0.0064%); highest among the groups gnomAD compares: Admixed American, 0.13%; 1 homozygote.

Submissions (14):

Labcorp Genetics (formerly Invitae), Labcorp
Classification: Likely benign for Cystic fibrosis. Last evaluated: 2026-01-29. Review status: criteria provided, single submitter. Criteria: Invitae Variant Classification Sherloc (09022015). Collection method: clinical testing. Allele origin: germline.

Mayo Clinic Laboratories, Mayo Clinic
Classification: Likely benign. Last evaluated: 2025-06-04. Review status: criteria provided, single submitter. Criteria: ACMG Guidelines, 2015. Collection method: clinical testing. Allele origin: germline. Observed: 8 variant alleles.
Comment: BP4, BP7

ARUP Laboratories, Molecular Genetics and Genomics, ARUP Laboratories
Classification: Benign. Last evaluated: 2025-03-13. Review status: criteria provided, single submitter. Criteria: ARUP Molecular Germline Variant Investigation Process 2024. Collection method: clinical testing. Allele origin: germline.

CeGaT Center for Human Genetics Tuebingen
Classification: Likely benign. Last evaluated: 2024-10-01. Review status: criteria provided, single submitter. Criteria: CeGaT Center For Human Genetics Tuebingen Variant Classification Criteria Version 2. Collection method: clinical testing. Allele origin: germline. Affected: yes. Observed: 1 variant allele.
Comment: CFTR: BP4, BP7

Blueprint Genetics
Classification: Likely benign. Last evaluated: 2022-10-24. Review status: criteria provided, single submitter. Criteria: ACMG Guidelines, 2015. Collection method: clinical testing. Allele origin: germline.

Genome-Nilou Lab
Classification: Likely benign for Cystic fibrosis. Last evaluated: 2021-07-22. Review status: criteria provided, single submitter. Criteria: ACMG Guidelines, 2015. Collection method: clinical testing. Allele origin: germline. Affected: no.

Genome-Nilou Lab
Classification: Uncertain significance for Congenital bilateral aplasia of vas deferens from CFTR mutation. Last evaluated: 2021-07-22. Review status: criteria provided, single submitter. Criteria: ACMG Guidelines, 2015. Collection method: clinical testing. Allele origin: germline. Affected: no.

Quest Diagnostics Nichols Institute San Juan Capistrano
Classification: Likely benign. Last evaluated: 2021-01-12. Review status: criteria provided, single submitter. Criteria: Quest Diagnostics criteria. Collection method: clinical testing. Allele origin: unknown.

Johns Hopkins Genomics, Johns Hopkins University
Classification: Likely benign for Cystic fibrosis. Last evaluated: 2020-06-11. Review status: criteria provided, single submitter. Criteria: ACMG Guidelines, 2015. Collection method: clinical testing. Allele origin: germline.

Women's Health and Genetics/Laboratory Corporation of America, LabCorp
Classification: Benign. Last evaluated: 2018-02-21. Review status: criteria provided, single submitter. Criteria: LabCorp Variant Classification Summary - May 2015. Collection method: clinical testing. Allele origin: germline.
Comment: Variant summary: CFTR c.1920T>C alters a non-conserved nucleotide resulting in a synonymous change (p.Phe640=). 5/5 computational tools predict no significant impact on normal splicing. However, these predictions have yet to be confirmed by functional studies. The variant allele was found at a frequency of 4.7e-05 in 276596 control chromosomes in the gnomAD database, including 1 homozygote. This frequency is not significantly higher than expected for a pathogenic variant in CFTR causing Cystic Fibrosis (4.7e-05 vs 0.013), allowing no conclusion about variant significance. To our knowledge, no occurrence of c.1920T>C in individuals affected with Cystic Fibrosis and no experimental evidence demonstrating its impact on protein function have been reported via publications. The variant was reported in the databases to be present on the same allele as a complex pathogenic allele (c.220C>T_c.601G>A_c.3808G>A). In addition, our laboratory has identified the variant in numerous (>20) individuals with the same pathogenic complex allele, and in several of these cases a second pathogenic CFTR variant was also identified (e.g. p.Phe508del (in 2 cases), p.Ile507del (in one case), p.Arg1162X (in one case), c.5T_TG12 (in one case)). These co-occurrences with other pathogenic variants provide supporting evidence for a benign role. Two clinical diagnostic laboratories have submitted clinical-significance assessments for this variant to ClinVar after 2014 without evidence for independent evaluation, where one laboratory classified the variant as benign, and the other laboratory as uncertain significance. Based on the evidence outlined above, the variant was classified as benign.

Eurofins Ntd Llc (ga)
Classification: Uncertain significance. Last evaluated: 2018-02-06. Review status: criteria provided, single submitter. Criteria: EGL Classification Definitions 2015. Collection method: clinical testing. Allele origin: germline. Observed: 14 variant alleles, 14 heterozygotes.

Ambry Genetics
Classification: Likely benign for Cystic fibrosis. Last evaluated: 2014-11-07. Review status: criteria provided, single submitter. Criteria: Ambry Variant Classification Scheme 2023. Collection method: clinical testing. Allele origin: germline.

PreventionGenetics, part of Exact Sciences
Classification: Likely benign. Review status: criteria provided, single submitter. Criteria: ACMG Guidelines, 2015. Collection method: clinical testing. Allele origin: germline.

Natera, Inc.
Classification: Likely benign for CFTR-related disorders. Last evaluated: 2018-04-05. Review status: no assertion criteria provided. Collection method: clinical testing. Allele origin: germline. Not counted in ClinVar's aggregate classification.

Literature cited by the submitters: PubMed 28603918 (cited by Mayo Clinic Laboratories, Mayo Clinic and Quest Diagnostics Nichols Institute San Juan Capistrano); PubMed 29805046 (cited by Mayo Clinic Laboratories, Mayo Clinic).

NM_000492.4(CFTR):c.1920T>C (p.Phe640=)

Gene: CFTR (CF transmembrane conductance regulator; plus strand). Cytogenetic location: 7q31.2.
Variant type: single nucleotide variant.
Coding change: c.1920T>C on transcript NM_000492.4 (MANE Select); coding-DNA position 1920, T replaced by C.
Protein change: p.Phe640=; no amino-acid change (phenylalanine 640 retained).
Molecular consequence: synonymous variant.
Genome position (GRCh38, 1-based): chr7:117,592,087, T>C. VCF-style: chr7-117592087-T-C. GRCh37 (hg19) VCF-style: chr7-117232141-T-C.
Other names: p.Phe640=.
Identifiers: ClinVar variation 256250 (VCV000256250.54), dbSNP rs145877746, ClinGen allele CA4451112.
Genomic context (GRCh38, chr7:117,592,087, plus strand): 5'-TGAAGGTAGCAGCTATTTTTATGGGACATTTTCAGAACTCCAAAATCTACAGCCAGACTT[T>C]AGCTCAAAACTCATGGGATGTGATTCTTTCGACCAATTTAGTGCAGAAAGAAGAAATTCA-3'
Protein context (NP_000483.3, residues 630-650): FSELQNLQPD[Phe640=]SSKLMGCDSF